The following is an entry in ClinVar:

NM_152641.4(ARID2):c.5244A>G (p.Ser1748=)

Gene: ARID2 (AT-rich interaction domain 2; plus strand). Cytogenetic location: 12q12.
Variant type: single nucleotide variant.
Coding change: c.5244A>G on transcript NM_152641.4 (MANE Select); coding-DNA position 5244, A replaced by G.
Protein change: p.Ser1748=; no amino-acid change (serine 1748 retained).
Molecular consequence: synonymous variant.
Genome position (GRCh38, 1-based): chr12:45,893,516, A>G. VCF-style: chr12-45893516-A-G. GRCh37 (hg19) VCF-style: chr12-46287299-A-G.
Other names: c.5244A>G, p.Ser1748= (NM_001347839.2).
Identifiers: ClinVar variation 3025522 (VCV003025522.23), dbSNP rs375630649, ClinGen allele CA6526848.

ClinVar aggregate classification (germline): Likely benign. Review status: criteria provided, multiple submitters, no conflicts (2 of 4 stars). 2 submissions from 2 submitters: Likely benign (2). Last evaluated 2024-11-19.

Allele frequency attached by ClinVar (database versions not stated): TOPMed 0.00008; gnomAD 0.00024; gnomAD exomes 0.00032; ExAC 0.00054; 1000 Genomes Project 30x 0.00156; 1000 Genomes Project 0.00180.
gnomAD v4.1: 510 of 1,613,906 alleles (0.032%); highest among the groups gnomAD compares: South Asian, 0.43%; 4 homozygotes.

Submissions (2):

Blueprint Genetics
Classification: Likely benign. Last evaluated: 2024-11-19. Review status: criteria provided, single submitter. Criteria: ACMG Guidelines, 2015. Collection method: clinical testing. Allele origin: germline.

CeGaT Center for Human Genetics Tuebingen
Classification: Likely benign. Last evaluated: 2024-11-01. Review status: criteria provided, single submitter. Criteria: CeGaT Center For Human Genetics Tuebingen Variant Classification Criteria Version 2. Collection method: clinical testing. Allele origin: germline. Affected: yes. Observed: 2 variant alleles.
Comment: ARID2: BP4, BP7, BS1